The following is an entry in ClinVar:

NM_000138.5(FBN1):c.2581C>T (p.Arg861Ter)

Gene: FBN1 (fibrillin 1; minus strand). Cytogenetic location: 15q21.1.
Variant type: single nucleotide variant.
Coding change: c.2581C>T on transcript NM_000138.5 (MANE Select); coding-DNA position 2581, C replaced by T.
Protein change: p.Arg861Ter; replaces arginine 861 with a stop codon.
Molecular consequence: nonsense.
Genome position (GRCh38, 1-based): chr15:48,495,219, G>A on the plus strand (C>T on the coding strand, the complement: FBN1 is on the minus strand). VCF-style: chr15-48495219-G-A. GRCh37 (hg19) VCF-style: chr15-48787416-G-A.
Other names: short protein forms R861*.
Identifiers: ClinVar variation 265401 (VCV000265401.44), dbSNP rs140583, ClinGen allele CA10588587.

ClinVar aggregate classification (germline): Pathogenic/Likely pathogenic. Review status: criteria provided, multiple submitters, no conflicts (2 of 4 stars). 11 submissions from 11 submitters: Pathogenic (8); Likely pathogenic (1). 2 of the submissions do not count toward it. Last evaluated 2025-09-02.

Conditions:
Familial thoracic aortic aneurysm and aortic dissection (TAAD). Also called: Thoracic aortic aneurysms and dissections. Identifiers: Orphanet 91387, MedGen C4707243, MONDO:0019625.
Marfan syndrome (MFS). Also called: Marfan syndrome type 1; Marfan's syndrome; MARFAN SYNDROME, TYPE I; Marfan syndrome, classic; FBN1-Related Marfan Syndrome. Identifiers: Orphanet 284963, Orphanet 558, MedGen C0024796, MONDO:0007947, OMIM 154700.
Isolated thoracic aortic aneurysm.
Marfan Syndrome/Loeys-Dietz Syndrome/Familial Thoracic Aortic Aneurysms and Dissections. Identifiers: MedGen CN229799.
FBN1-related disorder. Also called: FBN1-related disorders.
Progeroid and marfanoid aspect-lipodystrophy syndrome. Also called: Marfan lipodystrophy syndrome; MARFANOID-PROGEROID SYNDROME; MARFAN-PROGEROID-LIPODYSTROPHY SYNDROME; MARFANOID-PROGEROID-LIPODYSTROPHY SYNDROME. Identifiers: Orphanet 300382, MedGen C4310796, MONDO:0014831, OMIM 616914.
Ectopia lentis 1, isolated, autosomal dominant (ECTOL1). Identifiers: Orphanet 1885, MedGen C3541518, MONDO:0007514, OMIM 129600.
Stiff skin syndrome (SSKS). Identifiers: Orphanet 2833, MedGen C1861456, MONDO:0008492, OMIM 184900.
Acromicric dysplasia (ACMICD). Also called: Acromicric skeletal dysplasia. Identifiers: Orphanet 969, MedGen C0265287, MONDO:0007055, OMIM 102370.
MASS syndrome (OCTD). Also called: MASS PHENOTYPE; OVERLAP CONNECTIVE TISSUE DISEASE. Identifiers: MedGen C1858556, MONDO:0011431, OMIM 604308.
Geleophysic dysplasia 2 (GPHYSD2). Identifiers: Orphanet 2623, MedGen C3280054, MONDO:0013612, OMIM 614185.
Weill-Marchesani syndrome 2, dominant. Also called: Weill-Marchesani Syndrome, Autosomal Dominant; FBN1-Related Weill-Marchesani Syndrome. Identifiers: Orphanet 2084, MedGen C1869115, MONDO:0012013, OMIM 608328.

Allele frequency attached by ClinVar (database versions not stated): gnomAD exomes below 0.00001.

Submissions (11):

Labcorp Genetics (formerly Invitae), Labcorp
Classification: Pathogenic for Marfan syndrome; Familial thoracic aortic aneurysm and aortic dissection. Last evaluated: 2025-09-02. Review status: criteria provided, single submitter. Criteria: Invitae Variant Classification Sherloc (09022015). Collection method: clinical testing. Allele origin: germline.
Comment: This sequence change creates a premature translational stop signal (p.Arg861*) in the FBN1 gene. It is expected to result in an absent or disrupted protein product. Loss-of-function variants in FBN1 are known to be pathogenic (PMID: 17657824, 19293843). This variant is not present in population databases (gnomAD no frequency). This premature translational stop signal has been observed in individual(s) with Marfan syndrome, clinical features consistent with Marfan syndrome, or thoracic aortic aneurysm and dissection and Marfan syndrome (PMID: 2005308, 10464652, 16222657, 17657824, 19293843, 26272055). In at least one individual the variant was observed to be de novo. ClinVar contains an entry for this variant (Variation ID: 265401). For these reasons, this variant has been classified as Pathogenic.

Blueprint Genetics
Classification: Pathogenic for FBN1-related disorders. Last evaluated: 2023-09-18. Review status: criteria provided, single submitter. Criteria: ACMG Guidelines, 2015. Collection method: clinical testing. Allele origin: germline. Affected: yes. Observed: 3 variant alleles.

Centre of Medical Genetics, University of Antwerp
Classification: Pathogenic for Marfan syndrome. Last evaluated: 2021-03-01. Review status: criteria provided, single submitter. Criteria: Submitter's publication. Collection method: research. Allele origin: unknown. Affected: yes. Observed: 2 variant alleles.
Comment: PM2, PVS1, PP4

GeneDx
Classification: Pathogenic. Last evaluated: 2021-01-29. Review status: criteria provided, single submitter. Criteria: GeneDx Variant Classification Process June 2021. Collection method: clinical testing. Allele origin: germline. Affected: yes.
Comment: Not observed in large population cohorts (Lek et al., 2016); Nonsense variant predicted to result in protein truncation or nonsense mediated decay in a gene for which loss-of-function is a known mechanism of disease; Published functional studies using induced pluripotent stem cells demonstrated that this variant decreases FBN1 protein expression, impairs osteogenesis, reduces contractility and alters calcium signaling in derivative mesenchymal stem cells and/or vascular smooth muscle cells (Park et al., 2017); Reported in ClinVar as pathogenic (ClinVar Variant ID# 265401; Landrum et al., 2016); This variant is associated with the following publications: (PMID: 25525159, 26272055, 29357934, 29543232, 10464652, 12203992, 12068374, 19293843, 22005308, 19618372, 19533785, 16222657, 17657824, 28539832)

Ambry Genetics
Classification: Pathogenic for Familial thoracic aortic aneurysm and aortic dissection. Last evaluated: 2018-10-29. Review status: criteria provided, single submitter. Criteria: Ambry Variant Classification Scheme 2023. Collection method: clinical testing. Allele origin: germline.
Comment: The p.R861* pathogenic mutation (also known as c.2581C>T), located in coding exon 21 of the FBN1 gene, results from a C to T substitution at nucleotide position 2581. This changes the amino acid from an arginine to a stop codon within coding exon 21. This alteration has been reported in multiple individuals with Marfan syndrome (MFS) or MFS-related phenotypes (Liu WO et al. Genet Test. 1997-1998;1(4):237-42; Schrijver I et al. Am J Hum Genet. 2002;71(2):223-37; Arbustini E et al. Hum Mutat. 2005;26(5):494; Stheneur C et al. Eur J Hum Genet. 2009;17(9):1121-8; Katzke S et al. Hum Mutat 2002; 20(3):197-208; Magyar I et al. Hum Mutat. 2009;30(9):1355-64; Guo J et al. Sci Rep. 2015;5:13115). One study of patient-derived induced pluripotent stem cells exhibiting this mutation reported impact to microfibril formation, osteogenesis, contractility, and calcium influx, with rescue of some defects in mutation-corrected cells (Park JW et al. Int J Biol Sci. 2017;13(5):588-603). In addition to the clinical data presented in the literature, this alteration is expected to result in loss of function by premature protein truncation or nonsense-mediated mRNA decay. As such, this alteration is interpreted as a disease-causing mutation.

Department of Vascular Biology, Beijing Anzhen Hospital
Classification: Likely pathogenic for Isolated thoracic aortic aneurysm. Last evaluated: 2018-09-01. Review status: criteria provided, single submitter. Criteria: ACMG Guidelines, 2015. Collection method: research. Allele origin: germline. Affected: yes.

Women's Health and Genetics/Laboratory Corporation of America, LabCorp
Classification: Pathogenic for Marfan Syndrome/Loeys-Dietz Syndrome/Familial Thoracic Aortic Aneurysms and Dissections. Last evaluated: 2017-03-20. Review status: criteria provided, single submitter. Criteria: LabCorp Variant Classification Summary - May 2015. Collection method: clinical testing. Allele origin: germline.
Comment: Variant summary: The FBN1 c.2581C>T (p.Arg861X) variant results in a premature termination codon, predicted to cause a truncated or absent FBN1 protein due to nonsense mediated decay, which are commonly known mechanisms for disease. This variant is absent in 121196 control chromosomes (ExAC). Multiple publications cite the variant in affected individuals, along with multiple clinical diagnostic laboratories/reputable databases classified this variant as pathogenic. Taken together, this variant is classified as pathogenic.

ARUP Laboratories, Molecular Genetics and Genomics, ARUP Laboratories
Classification: Pathogenic. Last evaluated: 2016-10-25. Review status: criteria provided, single submitter. Criteria: ARUP Molecular Germline Variant Investigation Process. Collection method: clinical testing. Allele origin: germline.

Center for Genomics, Ann and Robert H. Lurie Children's Hospital of Chicago
Classification: Pathogenic for Geleophysic dysplasia 2; Weill-Marchesani syndrome 2, dominant; Ectopia lentis 1, isolated, autosomal dominant; MASS syndrome; Progeroid and marfanoid aspect-lipodystrophy syndrome; Acromicric dysplasia; Marfan syndrome; Stiff skin syndrome. Review status: criteria provided, single submitter. Criteria: ACMG Guidelines, 2015. Collection method: clinical testing. Allele origin: germline.
Comment: FBN1 NM_000138.4 exon 22 p.Arg861* (c.2581C>T): This variant has been reported in the literature in several individuals with features or a clinical diagnosis of Marfan syndrome, including at least 1 individual as de novo (Katzke 2002 PMID:12203992, Schrijver 2002 PMID:12068374, Arbustini 2005 PMID:16222657, Comeglio 2007 PMID:17657824, Chung 2009 PMID:19533785, Magyar 2009 PMID:19618372, Stheneur 2009 PMID:19293843, Guo 2015 PMID:26272055). This variant is not present in large control databases. This variant is present in ClinVar, with several labs classifying this variant as pathogenic (Variation ID:265401). Evolutionary conservation and computational predictive tools for this variant are limited or unavailable. This variant creates a premature stop at this codon which results in an absent or abnormal protein. Loss of function variants are a known mechanism of disease for this gene (Dietz 2017 PMID: 20301510). In summary, this variant is classified as pathogenic.

Center for Medical Genetics Ghent, University of Ghent
Classification: Pathogenic for Marfan syndrome. Last evaluated: 2017-11-07. Review status: no assertion criteria provided. Collection method: clinical testing. Allele origin: de novo. Affected: yes. Not counted in ClinVar's aggregate classification.

Centre for Genomic and Experimental Medicine, University of Edinburgh
Classification: Pathogenic for Familial thoracic aortic aneurysm and aortic dissection. Review status: no assertion criteria provided. Collection method: research. Allele origin: unknown. Affected: yes. Not counted in ClinVar's aggregate classification.

Literature cited by the submitters: PubMed 17657824 (cited by Labcorp Genetics (formerly Invitae), Labcorp and Ambry Genetics); PubMed 19293843 (cited by Labcorp Genetics (formerly Invitae), Labcorp and Ambry Genetics); PubMed 2005308 (cited by Labcorp Genetics (formerly Invitae), Labcorp); PubMed 10464652 (cited by Labcorp Genetics (formerly Invitae), Labcorp and Ambry Genetics); PubMed 16222657 (cited by 3 submitters); PubMed 26272055 (cited by Labcorp Genetics (formerly Invitae), Labcorp and Ambry Genetics); PubMed 12068374 (cited by Ambry Genetics and Women's Health and Genetics/Laboratory Corporation of America, LabCorp); PubMed 12203992 (cited by Ambry Genetics); PubMed 12938084 (cited by Ambry Genetics); PubMed 19533785 (cited by Ambry Genetics and Women's Health and Genetics/Laboratory Corporation of America, LabCorp); PubMed 19618372 (cited by Ambry Genetics); PubMed 28539832 (cited by Ambry Genetics); PubMed 29357934 (cited by Ambry Genetics); PubMed 29543232 (cited by Ambry Genetics).